The following is an entry in ClinVar:

NM_031308.4(EPPK1):c.6559C>T (p.Leu2187Phe)

Gene: EPPK1 (epiplakin 1; minus strand). Cytogenetic location: 8q24.3.
Variant type: single nucleotide variant.
Coding change: c.6559C>T on transcript NM_031308.4 (MANE Select); coding-DNA position 6559, C replaced by T.
Protein change: p.Leu2187Phe; replaces leucine 2187 with phenylalanine.
Molecular consequence: missense variant.
Genome position (GRCh38, 1-based): chr8:143,866,695, G>A on the plus strand (C>T on the coding strand, the complement: EPPK1 is on the minus strand). VCF-style: chr8-143866695-G-A. GRCh37 (hg19) VCF-style: chr8-144940863-G-A.
Other names: short protein forms L2187F.
Identifiers: ClinVar variation 3053460 (VCV003053460.2), dbSNP rs142954969, ClinGen allele CA4921697.

ClinVar aggregate classification (germline): Benign (0 of 4 stars; one submission).

Conditions:
EPPK1-related disorder. Also called: EPPK1-related condition.

Allele frequency attached by ClinVar (database versions not stated): ExAC 0.00406; ESP Exome Variant Server 0.01283; gnomAD 0.01294; TOPMed 0.01415; 1000 Genomes Project 0.01458; 1000 Genomes Project 30x 0.01546.

Submission:

PreventionGenetics, part of Exact Sciences
Classification: Benign for EPPK1-related condition. Last evaluated: 2021-04-19. Review status: no assertion criteria provided. Collection method: clinical testing. Allele origin: germline.
Comment: This variant is classified as benign based on ACMG/AMP sequence variant interpretation guidelines (Richards et al. 2015 PMID: 25741868, with internal and published modifications).